The following is an entry in ClinVar:

NM_004714.3(DYRK1B):c.971G>T (p.Arg324Leu)

Gene: DYRK1B (dual specificity tyrosine phosphorylation regulated kinase 1B; minus strand). Cytogenetic location: 19q13.2.
Variant type: single nucleotide variant.
Coding change: c.971G>T on transcript NM_004714.3 (MANE Select); coding-DNA position 971, G replaced by T.
Protein change: p.Arg324Leu; replaces arginine 324 with leucine.
Molecular consequence: missense variant.
Genome position (GRCh38, 1-based): chr19:39,827,409, C>A on the plus strand (G>T on the coding strand, the complement: DYRK1B is on the minus strand). VCF-style: chr19-39827409-C-A. GRCh37 (hg19) VCF-style: chr19-40318049-C-A.
Other names: c.971G>T, p.Arg324Leu (NM_006483.3, NM_006484.3); short protein forms R324L.
Identifiers: ClinVar variation 3346695 (VCV003346695.1).

ClinVar aggregate classification (germline): Uncertain significance (0 of 4 stars; one submission).

Conditions:
DYRK1B-related disorder. Also called: DYRK1B-related condition.

gnomAD v4.1: 18 of 1,612,418 alleles (0.0011%); highest among the groups gnomAD compares: East Asian, 0.0067%; no homozygotes.

Submission:

PreventionGenetics, part of Exact Sciences
Classification: Uncertain significance for DYRK1B-related condition. Last evaluated: 2024-03-23. Review status: no assertion criteria provided. Collection method: clinical testing. Allele origin: germline.
Comment: The DYRK1B c.971G>T variant is predicted to result in the amino acid substitution p.Arg324Leu. To our knowledge, this variant has not been reported in the literature. This variant is reported in 0.0080% of alleles in individuals of European (Finnish) descent in gnomAD. At this time, the clinical significance of this variant is uncertain due to the absence of conclusive functional and genetic evidence.